The following is an entry in ClinVar:

ClinVar aggregate classification (germline): Uncertain significance. Review status: criteria provided, multiple submitters, no conflicts (2 of 4 stars). 3 submissions from 3 submitters: Uncertain significance (3). Last evaluated 2025-01-26.

Conditions:
Inborn genetic diseases. Identifiers: MedGen C0950123, MeSH D030342.

gnomAD v4.1: 10 of 1,614,102 alleles (0.00062%); highest among the groups gnomAD compares: Middle Eastern, 0.016%; no homozygotes.

Submissions (3):

Ambry Genetics
Classification: Uncertain significance for Inborn genetic diseases. Last evaluated: 2025-01-26. Review status: criteria provided, single submitter. Criteria: Ambry Variant Classification Scheme 2023. Collection method: clinical testing. Allele origin: germline.

GeneDx
Classification: Uncertain significance. Last evaluated: 2025-01-23. Review status: criteria provided, single submitter. Criteria: GeneDx Variant Classification Process June 2021. Collection method: clinical testing. Allele origin: germline. Affected: yes.
Comment: Not observed at significant frequency in large population cohorts (gnomAD); In silico analysis indicates that this missense variant does not alter protein structure/function; Has not been previously published as pathogenic or benign to our knowledge

Labcorp Genetics (formerly Invitae), Labcorp
Classification: Uncertain significance. Last evaluated: 2024-04-08. Review status: criteria provided, single submitter. Criteria: Invitae Variant Classification Sherloc (09022015). Collection method: clinical testing. Allele origin: germline.
Comment: This sequence change replaces aspartic acid, which is acidic and polar, with asparagine, which is neutral and polar, at codon 218 of the ANKH protein (p.Asp218Asn). This variant is present in population databases (no rsID available, gnomAD no frequency). This variant has not been reported in the literature in individuals affected with ANKH-related conditions. Advanced modeling of protein sequence and biophysical properties (such as structural, functional, and spatial information, amino acid conservation, physicochemical variation, residue mobility, and thermodynamic stability) performed at Invitae indicates that this missense variant is not expected to disrupt ANKH protein function with a negative predictive value of 80%. In summary, the available evidence is currently insufficient to determine the role of this variant in disease. Therefore, it has been classified as a Variant of Uncertain Significance.

NM_054027.6(ANKH):c.652G>A (p.Asp218Asn)

Gene: ANKH (ANKH inorganic pyrophosphate transport regulator; minus strand). Cytogenetic location: 5p15.2.
Variant type: single nucleotide variant.
Coding change: c.652G>A on transcript NM_054027.6 (MANE Select); coding-DNA position 652, G replaced by A.
Protein change: p.Asp218Asn; replaces aspartic acid 218 with asparagine.
Molecular consequence: missense variant.
Genome position (GRCh38, 1-based): chr5:14,751,104, C>T on the plus strand (G>A on the coding strand, the complement: ANKH is on the minus strand). VCF-style: chr5-14751104-C-T. GRCh37 (hg19) VCF-style: chr5-14751213-C-T.
Other names: c.652G>A (NM_054027.4); short protein forms D218N.
Identifiers: ClinVar variation 3622518 (VCV003622518.4).
Genomic context (GRCh38, chr5:14,751,104, plus strand): 5'-ACTGCTGTTGGGTTGGTAGACGTACCCCCAGCTCCGGGCCACTTCTGTCAGGGATGATGT[C>T]GTGAATGTTCTTGTAGTAGCCCAGGCACAGGGTGGTGCAGCGCACAAGTGCGCCCATGTA-3'
Protein context (NP_473368.1, residues 208-228): LCLGYYKNIH[Asp218Asn]IIPDRSGPEL